The following is an entry in ClinVar:

NM_000159.4(GCDH):c.1036G>A (p.Gly346Ser)

Gene: GCDH (glutaryl-CoA dehydrogenase; plus strand). Cytogenetic location: 19p13.13.
Variant type: single nucleotide variant.
Coding change: c.1036G>A on transcript NM_000159.4 (MANE Select); coding-DNA position 1036, G replaced by A.
Protein change: p.Gly346Ser; replaces glycine 346 with serine.
Molecular consequence: missense variant. On other transcripts: non-coding transcript variant (2).
Genome position (GRCh38, 1-based): chr19:12,897,382, G>A. VCF-style: chr19-12897382-G-A. GRCh37 (hg19) VCF-style: chr19-13008196-G-A.
Other names: c.1036G>A, p.Gly346Ser (NM_013976.5); short protein forms G346S.
Identifiers: ClinVar variation 1879419 (VCV001879419.29), dbSNP rs2145953982, ClinGen allele CA404320147.

ClinVar aggregate classification (germline): Uncertain significance (1 of 4 stars; one submission).

Submission:

CeGaT Center for Human Genetics Tuebingen
Classification: Uncertain significance. Last evaluated: 2022-11-01. Review status: criteria provided, single submitter. Criteria: CeGaT Center For Human Genetics Tuebingen Variant Classification Criteria Version 2. Collection method: clinical testing. Allele origin: germline. Affected: yes. Observed: 1 variant allele.
Comment: GCDH: PM2, PP4:Moderate